The following is an entry in ClinVar:

ClinVar aggregate classification (germline): Uncertain significance (1 of 4 stars; one submission).

Conditions:
Autosomal recessive spastic paraplegia type 78. Identifiers: Orphanet 513436, MedGen C5567893, MONDO:0014975, OMIM 617225.
Kufor-Rakeb syndrome (KRS). Also called: PARKINSON DISEASE 9, AUTOSOMAL RECESSIVE, JUVENILE-ONSET. Identifiers: Orphanet 306674, Orphanet 314632, MedGen C1847640, MONDO:0011706, OMIM 606693.

Allele frequency attached by ClinVar (database versions not stated): gnomAD 0.00001; TOPMed 0.00001; ExAC 0.00003.
gnomAD v4.1: 7 of 1,611,204 alleles (0.00043%); highest among the groups gnomAD compares: East Asian, 0.016%; no homozygotes.

Submission:

Labcorp Genetics (formerly Invitae), Labcorp
Classification: Uncertain significance for Kufor-Rakeb syndrome; Autosomal recessive spastic paraplegia type 78. Last evaluated: 2023-06-06. Review status: criteria provided, single submitter. Criteria: Invitae Variant Classification Sherloc (09022015). Collection method: clinical testing. Allele origin: germline.
Comment: In summary, the available evidence is currently insufficient to determine the role of this variant in disease. Therefore, it has been classified as a Variant of Uncertain Significance. Advanced modeling of protein sequence and biophysical properties (such as structural, functional, and spatial information, amino acid conservation, physicochemical variation, residue mobility, and thermodynamic stability) performed at Invitae indicates that this missense variant is not expected to disrupt ATP13A2 protein function. This variant has not been reported in the literature in individuals affected with ATP13A2-related conditions. This variant is present in population databases (rs749802732, gnomAD 0.02%). This sequence change replaces alanine, which is neutral and non-polar, with valine, which is neutral and non-polar, at codon 810 of the ATP13A2 protein (p.Ala810Val).

NM_022089.4(ATP13A2):c.2429C>T (p.Ala810Val)

Gene: ATP13A2 (ATPase cation transporting 13A2; minus strand). Cytogenetic location: 1p36.13.
Variant type: single nucleotide variant.
Coding change: c.2429C>T on transcript NM_022089.4 (MANE Select); coding-DNA position 2429, C replaced by T.
Protein change: p.Ala810Val; replaces alanine 810 with valine.
Molecular consequence: missense variant. On other transcripts: intron variant (1).
Genome position (GRCh38, 1-based): chr1:16,989,987, G>A on the plus strand (C>T on the coding strand, the complement: ATP13A2 is on the minus strand). VCF-style: chr1-16989987-G-A. GRCh37 (hg19) VCF-style: chr1-17316482-G-A.
Other names: c.2414C>T, p.Ala805Val (NM_001141973.3); c.2397+140C>T (NM_001141974.3); short protein forms A805V, A810V.
Identifiers: ClinVar variation 2947923 (VCV002947923.3), dbSNP rs749802732, ClinGen allele CA636827.